The following is an entry in ClinVar:

ClinVar aggregate classification (germline): Uncertain significance (1 of 4 stars; one submission).

Conditions:
Familial hemiplegic migraine. Identifiers: MedGen C0338484, MONDO:0000700.

Submission:

Labcorp Genetics (formerly Invitae), Labcorp
Classification: Uncertain significance for Familial hemiplegic migraine. Last evaluated: 2023-02-13. Review status: criteria provided, single submitter. Criteria: Invitae Variant Classification Sherloc (09022015). Collection method: clinical testing. Allele origin: germline.
Comment: This variant is not present in population databases (gnomAD no frequency). This sequence change replaces glutamine, which is neutral and polar, with lysine, which is basic and polar, at codon 166 of the ATP1A2 protein (p.Gln166Lys). This variant has not been reported in the literature in individuals affected with ATP1A2-related conditions. Algorithms developed to predict the effect of missense changes on protein structure and function are either unavailable or do not agree on the potential impact of this missense change (SIFT: "Deleterious"; PolyPhen-2: "Benign"; Align-GVGD: "Class C45"). In summary, the available evidence is currently insufficient to determine the role of this variant in disease. Therefore, it has been classified as a Variant of Uncertain Significance.

NM_000702.4(ATP1A2):c.496C>A (p.Gln166Lys)

Genes: ATP1A2 (ATPase Na+/K+ transporting subunit alpha 2; plus strand), LOC126805890 (CDK7 strongly-dependent group 2 enhancer GRCh37_chr1:160093987-160095186; plus strand). Cytogenetic location: 1q23.2.
Variant type: single nucleotide variant.
Coding change: c.496C>A on transcript NM_000702.4 (MANE Select); coding-DNA position 496, C replaced by A.
Protein change: p.Gln166Lys; replaces glutamine 166 with lysine.
Molecular consequence: missense variant.
Genome position (GRCh38, 1-based): chr1:160,124,296, C>A. VCF-style: chr1-160124296-C-A. GRCh37 (hg19) VCF-style: chr1-160094086-C-A.
Other names: short protein forms Q166K.
Identifiers: ClinVar variation 2815479 (VCV002815479.3), dbSNP rs2524857089, ClinGen allele CA343233172.